The following is an entry in ClinVar:

NM_001111067.4(ACVR1):c.658G>T (p.Gly220Cys)

Gene: ACVR1 (activin A receptor type 1; minus strand). Cytogenetic location: 2q24.1.
Variant type: single nucleotide variant.
Coding change: c.658G>T on transcript NM_001111067.4 (MANE Select); coding-DNA position 658, G replaced by T.
Protein change: p.Gly220Cys; replaces glycine 220 with cysteine.
Molecular consequence: missense variant.
Genome position (GRCh38, 1-based): chr2:157,770,500, C>A on the plus strand (G>T on the coding strand, the complement: ACVR1 is on the minus strand). VCF-style: chr2-157770500-C-A. GRCh37 (hg19) VCF-style: chr2-158627012-C-A.
Other names: c.658G>T, p.Gly220Cys (NM_001105.5, NM_001347663.1, NM_001347664.1 and 3 more transcripts); short protein forms G220C.
Identifiers: ClinVar variation 3345745 (VCV003345745.1).

ClinVar aggregate classification (germline): Uncertain significance (0 of 4 stars; one submission).

Conditions:
ACVR1-related disorder. Also called: ACVR1-related condition.

Submission:

PreventionGenetics, part of Exact Sciences
Classification: Uncertain significance for ACVR1-related condition. Last evaluated: 2024-05-02. Review status: no assertion criteria provided. Collection method: clinical testing. Allele origin: germline.
Comment: The ACVR1 c.658G>T variant is predicted to result in the amino acid substitution p.Gly220Cys. To our knowledge, this variant has not been reported in the literature or in a large population database, indicating this variant is rare. At this time, the clinical significance of this variant is uncertain due to the absence of conclusive functional and genetic evidence.